The following is an entry in ClinVar:

NM_002617.4(PEX10):c.914C>T (p.Ala305Val)

Gene: PEX10 (peroxisomal biogenesis factor 10; minus strand). Cytogenetic location: 1p36.32.
Variant type: single nucleotide variant.
Coding change: c.914C>T on transcript NM_002617.4 (MANE Select); coding-DNA position 914, C replaced by T.
Protein change: p.Ala305Val; replaces alanine 305 with valine.
Molecular consequence: missense variant. On other transcripts: non-coding transcript variant (1).
Genome position (GRCh38, 1-based): chr1:2,405,833, G>A on the plus strand (C>T on the coding strand, the complement: PEX10 is on the minus strand). VCF-style: chr1-2405833-G-A. GRCh37 (hg19) VCF-style: chr1-2337272-G-A.
Other names: c.974C>T (NM_153818.1); c.971C>T, p.Ala324Val (NM_001374425.1); c.539C>T, p.Ala180Val (NM_001374426.1); c.482C>T, p.Ala161Val (NM_001374427.1); c.974C>T, p.Ala325Val (NM_153818.2); short protein forms A305V, A180V, A324V, A325V, A161V.
Identifiers: ClinVar variation 2151662 (VCV002151662.5), dbSNP rs200139330, ClinGen allele CA537954.
Genomic context (GRCh38, chr1:2,405,833, plus strand): 5'-TAGTGCCGAAGGTAGATGAGCTTCTGGGGAGGGAACTTCTCCCGGCAGAGGGGACACTCC[G>A]CCTGCGGAGAGGAGAAAGGGGGTCACAGCAGCTGGGGCCACTGGGCCATGCCCATCCCCA-3'
Protein context (NP_002608.1, residues 295-315): ECITAWCSSK[Ala305Val]ECPLCREKFP

ClinVar aggregate classification (germline): Uncertain significance. Review status: criteria provided, multiple submitters, no conflicts (2 of 4 stars). 4 submissions from 4 submitters: Uncertain significance (4). Last evaluated 2026-06-24.

Conditions:
Inborn genetic diseases. Identifiers: MedGen C0950123, MeSH D030342.
Peroxisome biogenesis disorder, complementation group 7 (CG7). Also called: Peroxisome biogenesis disorder, complementation group B. Identifiers: MedGen C1864399.
PEX10-related disorder. Also called: PEX10-related condition.

Allele frequency attached by ClinVar (database versions not stated): gnomAD 0.00001; ExAC 0.00002; ESP Exome Variant Server 0.00015.

Submissions (4):

PreventionGenetics, part of Exact Sciences
Classification: Uncertain significance for PEX10-related condition. Last evaluated: 2026-06-24. Review status: criteria provided, single submitter. Criteria: ACMG Guidelines, 2015. Collection method: clinical testing. Allele origin: germline.
Comment: The PEX10 c.974C>T variant is predicted to result in the amino acid substitution p.Ala325Val. To our knowledge, this variant has not been reported in the literature. This variant is reported in 0.0096% of alleles in individuals of African descent in gnomAD. At this time, the clinical significance of this variant is uncertain due to the absence of conclusive functional and genetic evidence.

Ambry Genetics
Classification: Uncertain significance for Inborn genetic diseases. Last evaluated: 2025-08-13. Review status: criteria provided, single submitter. Criteria: Ambry Variant Classification Scheme 2023. Collection method: clinical testing. Allele origin: germline.

Labcorp Genetics (formerly Invitae), Labcorp
Classification: Uncertain significance for Peroxisome biogenesis disorder, complementation group 7. Last evaluated: 2022-09-27. Review status: criteria provided, single submitter. Criteria: Invitae Variant Classification Sherloc (09022015). Collection method: clinical testing. Allele origin: germline.
Comment: In summary, the available evidence is currently insufficient to determine the role of this variant in disease. Therefore, it has been classified as a Variant of Uncertain Significance. Algorithms developed to predict the effect of sequence changes on RNA splicing suggest that this variant may create or strengthen a splice site. Algorithms developed to predict the effect of missense changes on protein structure and function (SIFT, PolyPhen-2, Align-GVGD) all suggest that this variant is likely to be tolerated. This variant has not been reported in the literature in individuals affected with PEX10-related conditions. The frequency data for this variant in the population databases is considered unreliable, as metrics indicate poor data quality at this position in the gnomAD database. This sequence change replaces alanine, which is neutral and non-polar, with valine, which is neutral and non-polar, at codon 325 of the PEX10 protein (p.Ala325Val).

Blueprint Genetics
Classification: Uncertain significance. Last evaluated: 2020-07-13. Review status: criteria provided, single submitter. Criteria: ACMG Guidelines, 2015. Collection method: clinical testing. Allele origin: germline.